The following is an entry in ClinVar:

ClinVar aggregate classification (germline): Uncertain significance (1 of 4 stars; one submission).

Submission:

GeneDx
Classification: Uncertain significance. Last evaluated: 2025-02-25. Review status: criteria provided, single submitter. Criteria: GeneDx Variant Classification Process June 2021. Collection method: clinical testing. Allele origin: germline. Affected: yes.
Comment: Not observed at significant frequency in large population cohorts (gnomAD); In silico analysis supports that this missense variant has a deleterious effect on protein structure/function; Has not been previously published as pathogenic or benign to our knowledge

NM_000384.3(APOB):c.7753T>C (p.Phe2585Leu)

Gene: APOB (apolipoprotein B; minus strand). Cytogenetic location: 2p24.1.
Variant type: single nucleotide variant.
Coding change: c.7753T>C on transcript NM_000384.3 (MANE Select); coding-DNA position 7753, T replaced by C.
Protein change: p.Phe2585Leu; replaces phenylalanine 2585 with leucine.
Molecular consequence: missense variant.
Genome position (GRCh38, 1-based): chr2:21,009,115, A>G on the plus strand (T>C on the coding strand, the complement: APOB is on the minus strand). VCF-style: chr2-21009115-A-G. GRCh37 (hg19) VCF-style: chr2-21231987-A-G.
Other names: short protein forms F2585L.
Identifiers: ClinVar variation 4077310 (VCV004077310.1).